The following is an entry in ClinVar:

NM_001290060.2(SEMA3B):c.941C>G (p.Ser314Cys)

Gene: SEMA3B (semaphorin 3B; plus strand). Cytogenetic location: 3p21.31.
Variant type: single nucleotide variant.
Coding change: c.941C>G on transcript NM_001290060.2 (MANE Select); coding-DNA position 941, C replaced by G.
Protein change: p.Ser314Cys; replaces serine 314 with cysteine.
Molecular consequence: missense variant. On other transcripts: 5 prime UTR variant (2).
Genome position (GRCh38, 1-based): chr3:50,273,777, C>G. VCF-style: chr3-50273777-C-G. GRCh37 (hg19) VCF-style: chr3-50311208-C-G.
Other names: c.941C>G, p.Ser314Cys (NM_001005914.3, NM_004636.4); c.956C>G, p.Ser319Cys (NM_001290061.1); c.-86C>G (NM_001290062.2); c.-89C>G (NM_001290063.2); short protein forms S314C, S319C.
Identifiers: ClinVar variation 3349916 (VCV003349916.1).

ClinVar aggregate classification (germline): Likely benign (0 of 4 stars; one submission).

Conditions:
SEMA3B-related disorder. Also called: SEMA3B-related condition.

Submission:

PreventionGenetics, part of Exact Sciences
Classification: Likely benign for SEMA3B-related condition. Last evaluated: 2023-08-17. Review status: no assertion criteria provided. Collection method: clinical testing. Allele origin: germline.
Comment: This variant is classified as likely benign based on ACMG/AMP sequence variant interpretation guidelines (Richards et al. 2015 PMID: 25741868, with internal and published modifications).